The following is an entry in ClinVar:

NM_001849.4(COL6A2):c.1870G>A (p.Glu624Lys)

Gene: COL6A2 (collagen type VI alpha 2 chain; plus strand). Cytogenetic location: 21q22.3.
Variant type: single nucleotide variant.
Coding change: c.1870G>A on transcript NM_001849.4 (MANE Select); coding-DNA position 1870, G replaced by A.
Protein change: p.Glu624Lys; replaces glutamic acid 624 with lysine.
Molecular consequence: missense variant.
Genome position (GRCh38, 1-based): chr21:46,125,518, G>A. VCF-style: chr21-46125518-G-A. GRCh37 (hg19) VCF-style: chr21-47545432-G-A.
Other names: c.1870G>A, p.Glu624Lys (NM_058174.3, NM_058175.3); short protein forms E624K.
Identifiers: ClinVar variation 29640 (VCV000029640.15), dbSNP rs387906607, ClinGen allele CA259612.

ClinVar aggregate classification (germline): Uncertain significance. Review status: criteria provided, multiple submitters, no conflicts (2 of 4 stars). 3 submissions from 3 submitters: Uncertain significance (2). 1 of the submissions does not count toward it. Last evaluated 2025-10-13.

Conditions:
Ullrich congenital muscular dystrophy 1B (UCMD1B). Identifiers: MedGen C5935582, MONDO:0958235, OMIM 620727.
Bethlem myopathy 1A. Also called: MYOPATHY, BENIGN CONGENITAL, WITH CONTRACTURES; Bethlem Muscular Dystrophy; Bethlem myopathy 1. Identifiers: Orphanet 610, MedGen CN029274, MONDO:0024530, OMIM 158810.

Allele frequency attached by ClinVar (database versions not stated): gnomAD exomes below 0.00001; gnomAD 0.00001.
gnomAD v4.1: 1 of 1,612,882 alleles (0.000062%); highest among the groups gnomAD compares: African/African-American, 0.0013%; no homozygotes.

Submissions (3):

Labcorp Genetics (formerly Invitae), Labcorp
Classification: Uncertain significance for Bethlem myopathy 1A. Last evaluated: 2025-10-13. Review status: criteria provided, single submitter. Criteria: Invitae Variant Classification Sherloc (09022015). Collection method: clinical testing. Allele origin: germline.
Comment: This sequence change replaces glutamic acid, which is acidic and polar, with lysine, which is basic and polar, at codon 624 of the COL6A2 protein (p.Glu624Lys). The frequency data for this variant in the population databases is considered unreliable, as metrics indicate poor data quality at this position in the gnomAD database. This missense change has been observed in individual(s) with clinical features of autosomal recessive Type VI collagenopathy (PMID: 20106987; internal data). In at least one individual the data is consistent with being in trans (on the opposite chromosome) from a pathogenic variant. This variant has been reported in individual(s) with autosomal dominant Type VI collagenopathy (PMID: 34167565); however, the role of the variant in this condition is currently unclear. ClinVar contains an entry for this variant (Variation ID: 29640). Invitae Evidence Modeling of protein sequence and biophysical properties (such as structural, functional, and spatial information, amino acid conservation, physicochemical variation, residue mobility, and thermodynamic stability) indicates that this missense variant is expected to disrupt COL6A2 protein function with a positive predictive value of 80%. Experimental studies have shown that this missense change affects COL6A2 function (PMID: 20106987). In summary, the available evidence is currently insufficient to determine the role of this variant in disease. Therefore, it has been classified as a Variant of Uncertain Significance.

Eurofins Ntd Llc (ga)
Classification: Uncertain significance. Last evaluated: 2018-03-02. Review status: criteria provided, single submitter. Criteria: EGL ClinVar v180209 classification definitions. Collection method: clinical testing. Allele origin: germline. Observed: 3 variant alleles, 3 heterozygotes.

OMIM
Classification: Pathogenic for ULLRICH CONGENITAL MUSCULAR DYSTROPHY 1B, AUTOSOMAL RECESSIVE. Last evaluated: 2010-03-26. Review status: no assertion criteria provided. Collection method: literature only. Allele origin: germline. Not counted in ClinVar's aggregate classification.

Literature cited by the submitters: PubMed 20106987 (cited by Labcorp Genetics (formerly Invitae), Labcorp and OMIM); PubMed 34167565 (cited by Labcorp Genetics (formerly Invitae), Labcorp).